The following is an entry in ClinVar:

NM_000760.4(CSF3R):c.1919C>T (p.Thr640Ile)

Gene: CSF3R (colony stimulating factor 3 receptor; minus strand). Cytogenetic location: 1p34.3.
Variant type: single nucleotide variant.
Coding change: c.1919C>T on transcript NM_000760.4 (MANE Select); coding-DNA position 1919, C replaced by T.
Protein change: p.Thr640Ile; replaces threonine 640 with isoleucine.
Molecular consequence: missense variant.
Genome position (GRCh38, 1-based): chr1:36,467,597, G>A on the plus strand (C>T on the coding strand, the complement: CSF3R is on the minus strand). VCF-style: chr1-36467597-G-A. GRCh37 (hg19) VCF-style: chr1-36933198-G-A.
Other names: p.Thr640Ile; c.1919C>T, p.Thr640Ile (NM_156039.3, LRG_144t1, NM_172313.3); short protein forms T640I.
Identifiers: ClinVar variation 432324 (VCV000432324.27), dbSNP rs121918426, ClinGen allele CA769034.

ClinVar aggregate classification (germline): Conflicting classifications of pathogenicity. Review status: criteria provided, conflicting classifications (1 of 4 stars). 9 submissions from 9 submitters: Uncertain significance (1); Benign (1); Likely benign (4). 3 of the submissions do not count toward it. Last evaluated 2026-02-06.

Conditions:
CSF3R-related disorder. Also called: CSF3R-related condition.
Autosomal recessive severe congenital neutropenia due to CSF3R deficiency. Also called: Neutropenia, severe congenital, 7, autosomal recessive. Identifiers: Orphanet 420702, MedGen C4310764, MONDO:0014865, OMIM 617014.

Allele frequency attached by ClinVar (database versions not stated): gnomAD exomes 0.00010 and 0.00041; ExAC 0.00054; TOPMed 0.00172; 1000 Genomes Project 0.00200; gnomAD 0.00128 and 0.00135; 1000 Genomes Project 30x 0.00219.
gnomAD v4.1: 366 of 1,614,200 alleles (0.023%); highest among the groups gnomAD compares: African/African-American, 0.38%; 2 homozygotes.

Submissions (9):

Women's Health and Genetics/Laboratory Corporation of America, LabCorp
Classification: Benign. Last evaluated: 2026-02-06. Review status: criteria provided, single submitter. Criteria: LabCorp Variant Classification Summary - May 2015. Collection method: clinical testing. Allele origin: germline.
Comment: Variant summary: CSF3R c.1919C>T (p.Thr640Ile) results in a non-conservative amino acid change in the encoded protein sequence. Algorithms developed to predict the effect of missense changes on protein structure and function are either unavailable or do not agree on the potential impact of this missense change. The variant allele was found at a frequency of 0.00041 in 251194 control chromosomes, predominantly at a frequency of 0.0048 within the African or African-American subpopulation in the gnomAD database, including 1 homozygote. The observed variant frequency within African or African-American control individuals in the gnomAD database exceeds the estimated maximal expected allele frequency for disease-causing variants in CSF3R. Publications reported experimental evidence evaluating an impact on protein function., and demonstrated no damaging effect of this variant (Trottier_2020, Zhang_2018). The following publications have been ascertained in the context of this evaluation (PMID: 33108454, 29572350). ClinVar contains an entry for this variant (Variation ID: 432324). Based on the evidence outlined above, the variant was classified as benign.

Labcorp Genetics (formerly Invitae), Labcorp
Classification: Likely benign for Autosomal recessive severe congenital neutropenia due to CSF3R deficiency. Last evaluated: 2026-01-26. Review status: criteria provided, single submitter. Criteria: Invitae Variant Classification Sherloc (09022015). Collection method: clinical testing. Allele origin: germline.

Mayo Clinic Laboratories, Mayo Clinic
Classification: Likely benign. Last evaluated: 2025-02-26. Review status: criteria provided, single submitter. Criteria: ACMG Guidelines, 2015. Collection method: clinical testing. Allele origin: germline. Observed: 5 variant alleles.
Comment: BS1, BP4_moderate

GeneDx
Classification: Uncertain significance. Last evaluated: 2025-02-16. Review status: criteria provided, single submitter. Criteria: GeneDx Variant Classification Process June 2021. Collection method: clinical testing. Allele origin: germline. Affected: yes.
Comment: Identified in unrelated patients with chronic neutrophilia and myelodysplastic syndrome (MDS) with in published literature who also harbor the p.R583H variant in the CSF3R gene (PMID: 33108454, 37601857); In silico analysis indicates that this missense variant does not alter protein structure/function; This variant is associated with the following publications: (PMID: 23508011, 24822171, 33108454, 38644693, 37601857)

Blueprint Genetics
Classification: Likely benign. Last evaluated: 2023-12-07. Review status: criteria provided, single submitter. Criteria: ACMG Guidelines, 2015. Collection method: clinical testing. Allele origin: germline.

Genetic Services Laboratory, University of Chicago
Classification: Likely benign. Last evaluated: 2017-02-22. Review status: criteria provided, single submitter. Criteria: ACMG Guidelines, 2015. Collection method: clinical testing. Allele origin: germline. Affected: no.

PreventionGenetics, part of Exact Sciences
Classification: Likely benign for CSF3R-related condition. Last evaluated: 2022-02-24. Review status: no assertion criteria provided. Collection method: clinical testing. Allele origin: germline. Not counted in ClinVar's aggregate classification.
Comment: This variant is classified as likely benign based on ACMG/AMP sequence variant interpretation guidelines (Richards et al. 2015 PMID: 25741868, with internal and published modifications).

Clinical Genetics DNA and cytogenetics Diagnostics Lab, Erasmus MC, Erasmus Medical Center
Classification: Likely benign. Review status: no assertion criteria provided. Collection method: clinical testing. Allele origin: germline. Affected: yes. Study: VKGL Data-share Consensus. Not counted in ClinVar's aggregate classification.

Diagnostic Laboratory, Department of Genetics, University Medical Center Groningen
Classification: Likely benign. Review status: no assertion criteria provided. Collection method: clinical testing. Allele origin: germline. Affected: yes. Study: VKGL Data-share Consensus. Not counted in ClinVar's aggregate classification.

Literature cited by the submitters: PubMed 23896413 (cited by Women's Health and Genetics/Laboratory Corporation of America, LabCorp); PubMed 28302714 (cited by Women's Health and Genetics/Laboratory Corporation of America, LabCorp); PubMed 24627528 (cited by Women's Health and Genetics/Laboratory Corporation of America, LabCorp); PubMed 23656643 (cited by Women's Health and Genetics/Laboratory Corporation of America, LabCorp); PubMed 23604229 (cited by Women's Health and Genetics/Laboratory Corporation of America, LabCorp); PubMed 22371884 (cited by Women's Health and Genetics/Laboratory Corporation of America, LabCorp); PubMed 27069254 (cited by Women's Health and Genetics/Laboratory Corporation of America, LabCorp); PubMed 33108454 (cited by Women's Health and Genetics/Laboratory Corporation of America, LabCorp and Mayo Clinic Laboratories, Mayo Clinic); PubMed 29572350 (cited by Women's Health and Genetics/Laboratory Corporation of America, LabCorp and Mayo Clinic Laboratories, Mayo Clinic).